The following is an entry in ClinVar:

ClinVar aggregate classification (germline): Benign. Review status: criteria provided, multiple submitters, no conflicts (2 of 4 stars). 6 submissions from 6 submitters: Benign (4). 2 of the submissions do not count toward it. Last evaluated 2026-06-01.

Conditions:
KMT2C-related disorder. Also called: KMT2C-related condition; KMT2C-related disorders.

Allele frequency attached by ClinVar (database versions not stated): 1000 Genomes Project 30x 0.00250; 1000 Genomes Project 0.00300; TOPMed 0.00300; gnomAD 0.00303 and 0.00310; gnomAD exomes 0.00395; ESP Exome Variant Server 0.00415; ExAC 0.00451.
gnomAD v4.1: 6,963 of 1,614,176 alleles (0.43%); highest among the groups gnomAD compares: South Asian, 0.66%; 26 homozygotes.

Submissions (6):

CeGaT Center for Human Genetics Tuebingen
Classification: Benign. Last evaluated: 2026-06-01. Review status: criteria provided, single submitter. Criteria: CeGaT Center For Human Genetics Tuebingen Variant Classification Criteria Version 2. Collection method: clinical testing. Allele origin: germline. Affected: yes. Observed: 25 variant alleles.
Comment: KMT2C: BS1, BS2

Labcorp Genetics (formerly Invitae), Labcorp
Classification: Benign. Last evaluated: 2026-01-27. Review status: criteria provided, single submitter. Criteria: Invitae Variant Classification Sherloc (09022015). Collection method: clinical testing. Allele origin: germline.

Genomic Diagnostic Laboratory, Division of Genomic Diagnostics, Children's Hospital of Philadelphia
Classification: Benign. Last evaluated: 2015-07-15. Review status: criteria provided, single submitter. Criteria: DGD Variant Analysis Guidelines. Collection method: clinical testing. Allele origin: unknown.

Breakthrough Genomics
Classification: Benign. Review status: criteria provided, single submitter. Criteria: ACMG Guidelines, 2015. Collection method: not provided. Allele origin: germline. Inheritance: Autosomal dominant inheritance. Affected: yes.

PreventionGenetics, part of Exact Sciences
Classification: Benign for KMT2C-related condition. Last evaluated: 2020-03-10. Review status: no assertion criteria provided. Collection method: clinical testing. Allele origin: germline. Not counted in ClinVar's aggregate classification.
Comment: This variant is classified as benign based on ACMG/AMP sequence variant interpretation guidelines (Richards et al. 2015 PMID: 25741868, with internal and published modifications).

ITMI
No classification provided. Condition: AllHighlyPenetrant. Last evaluated: 2013-09-19. Review status: no classification provided. Collection method: reference population. Allele origin: germline. Not counted in ClinVar's aggregate classification.
Comment: Please see associated publication for description of ethnicities

Literature cited by the submitters: PubMed 24728327 (cited by ITMI).

NM_170606.3(KMT2C):c.10432C>G (p.Gln3478Glu)

Gene: KMT2C (lysine methyltransferase 2C; minus strand). Cytogenetic location: 7q36.1.
Variant type: single nucleotide variant.
Coding change: c.10432C>G on transcript NM_170606.3 (MANE Select); coding-DNA position 10432, C replaced by G.
Protein change: p.Gln3478Glu; replaces glutamine 3478 with glutamic acid.
Molecular consequence: missense variant.
Genome position (GRCh38, 1-based): chr7:152,163,145, G>C on the plus strand (C>G on the coding strand, the complement: KMT2C is on the minus strand). VCF-style: chr7-152163145-G-C. GRCh37 (hg19) VCF-style: chr7-151860230-G-C.
Other names: short protein forms Q3478E.
Identifiers: ClinVar variation 134788 (VCV000134788.36), dbSNP rs142835638, ClinGen allele CA248745.